The following is an entry in ClinVar:

NM_018297.4(NGLY1):c.667A>G (p.Ile223Val)

Gene: NGLY1 (N-glycanase 1; minus strand). Cytogenetic location: 3p24.2.
Variant type: single nucleotide variant.
Coding change: c.667A>G on transcript NM_018297.4 (MANE Select); coding-DNA position 667, A replaced by G.
Protein change: p.Ile223Val; replaces isoleucine 223 with valine.
Molecular consequence: missense variant.
Genome position (GRCh38, 1-based): chr3:25,739,791, T>C on the plus strand (A>G on the coding strand, the complement: NGLY1 is on the minus strand). VCF-style: chr3-25739791-T-C. GRCh37 (hg19) VCF-style: chr3-25781282-T-C.
Other names: c.667A>G, p.Ile223Val (NM_001145293.2, NM_001145295.2); c.541A>G, p.Ile181Val (NM_001145294.2); short protein forms I181V, I223V.
Identifiers: ClinVar variation 745355 (VCV000745355.12), dbSNP rs201904265, ClinGen allele CA2289401.

ClinVar aggregate classification (germline): Conflicting classifications of pathogenicity. Review status: criteria provided, conflicting classifications (1 of 4 stars). 2 submissions from 2 submitters: Uncertain significance (1); Likely benign (1). Last evaluated 2026-01-28.

Conditions:
Congenital disorder of deglycosylation (CDDG). Identifiers: MedGen C3808991, MONDO:0031376.

Allele frequency attached by ClinVar (database versions not stated): gnomAD 0.00005; TOPMed 0.00005; ExAC 0.00008; gnomAD exomes 0.00013.
gnomAD v4.1: 113 of 1,612,764 alleles (0.007%); highest among the groups gnomAD compares: Non-Finnish European, 0.0018%; no homozygotes.

Submissions (2):

Labcorp Genetics (formerly Invitae), Labcorp
Classification: Likely benign for Congenital disorder of deglycosylation. Last evaluated: 2026-01-28. Review status: criteria provided, single submitter. Criteria: Invitae Variant Classification Sherloc (09022015). Collection method: clinical testing. Allele origin: germline.

GeneDx
Classification: Uncertain significance. Last evaluated: 2019-12-10. Review status: criteria provided, single submitter. Criteria: GeneDx Variant Classification Process June 2021. Collection method: clinical testing. Allele origin: germline. Affected: yes.
Comment: In silico analysis supports that this missense variant does not alter protein structure/function; In silico analysis, which includes splice predictors and evolutionary conservation, suggests this variant may impact gene splicing. In the absence of RNA/functional studies, the actual effect of this sequence change is unknown.